The following is an entry in ClinVar:

ClinVar aggregate classification (germline): Pathogenic/Likely pathogenic. Review status: criteria provided, multiple submitters, no conflicts (2 of 4 stars). 2 submissions from 2 submitters: Pathogenic (1); Likely pathogenic (1). Last evaluated 2025-07-02.

Conditions:
Holocarboxylase synthetase deficiency. Also called: MULTIPLE CARBOXYLASE DEFICIENCY, EARLY ONSET. Identifiers: Orphanet 79242, MedGen C0268581, MONDO:0009666, OMIM 253270.

Submissions (2):

Natera, Inc.
Classification: Likely pathogenic for Holocarboxylase synthetase deficiency. Last evaluated: 2025-07-02. Review status: criteria provided, single submitter. Criteria: Natera Variant Classification Schema (03/2026). Collection method: clinical testing. Allele origin: germline.
Comment: The c.769del variant in HLCS is a frameshift variant predicted to shift the reading frame and introduce a stop codon. This variant is expected to result in nonsense mediated decay, truncation, or a dysfunctional protein product. This variant is rare in the general population with a frequency below the threshold expected for the associated phenotype(s). Given the available evidence, this variant is classified as Likely Pathogenic.

Labcorp Genetics (formerly Invitae), Labcorp
Classification: Pathogenic for Holocarboxylase synthetase deficiency. Last evaluated: 2023-05-29. Review status: criteria provided, single submitter. Criteria: Invitae Variant Classification Sherloc (09022015). Collection method: clinical testing. Allele origin: germline.
Comment: For these reasons, this variant has been classified as Pathogenic. This variant has not been reported in the literature in individuals affected with HLCS-related conditions. This variant is not present in population databases (gnomAD no frequency). This sequence change creates a premature translational stop signal (p.Val257*) in the HLCS gene. It is expected to result in an absent or disrupted protein product. Loss-of-function variants in HLCS are known to be pathogenic (PMID: 16134170).

Literature cited by the submitters: PubMed 16134170 (cited by Labcorp Genetics (formerly Invitae), Labcorp).

NM_001352514.2(HLCS):c.1210del (p.Gln403_Val404insTer)

Gene: HLCS (holocarboxylase synthetase; minus strand). Cytogenetic location: 21q22.13.
Variant type: Deletion.
Coding change: c.1210del on transcript NM_001352514.2 (MANE Select); coding-DNA position 1210, one base deleted (G; older notation c.1210delG).
Protein change: p.Gln403_Val404insTer.
Molecular consequence: nonsense. On other transcripts: non-coding transcript variant (2).
Genome position (GRCh38, 1-based): chr21:36,936,676, C deleted on the plus strand (G on the coding strand, the reverse complement: HLCS is on the minus strand); the first of 2 consecutive C bases (chr21:36,936,676-36,936,677); deleting either gives the same sequence. VCF-style (leftmost placement, unchanged base first): chr21-36936675-AC-A. GRCh37 (hg19) VCF-style: chr21-38308975-AC-A.
Other names: c.769del, p.Gln256_Val257insTer (NM_000411.8, NM_001242784.3, NM_001242785.2 and 4 more transcripts); c.769del (NM_000411.7).
Identifiers: ClinVar variation 2869528 (VCV002869528.4), dbSNP rs2517577085, ClinGen allele CA2739267630.